The following is an entry in ClinVar:

NM_002863.5(PYGL):c.2178-8_2178-7insT

Gene: PYGL (glycogen phosphorylase L; minus strand). Cytogenetic location: 14q22.1.
Variant type: Insertion.
Coding change: c.2178-8_2178-7insT on transcript NM_002863.5 (MANE Select); 8 bases into the intron before coding-DNA position 2178 through 7 bases into the intron before coding-DNA position 2178, T inserted.
Molecular consequence: intron variant.
Genome position: GRCh38 VCF-style: chr14-50908962-G-GA. GRCh37 (hg19) VCF-style: chr14-51375680-G-GA.
Other names: c.2076-8_2076-7insT (NM_001163940.2).
Identifiers: ClinVar variation 2671688 (VCV002671688.1), dbSNP rs2503484807, ClinGen allele CA2695199821.

ClinVar aggregate classification (germline): Uncertain significance (1 of 4 stars; one submission).

Conditions:
Glycogen storage disease, type VI (GSD6). Also called: Glycogen storage disease type 6; Hepatic glycogen phosphorylase deficiency; HERS DISEASE; PHOSPHORYLASE DEFICIENCY GLYCOGEN-STORAGE DISEASE OF LIVER; Glycogen storage disease type 6, due to phosphorylation; GSD VI. Identifiers: Orphanet 369, MedGen C0017925, MONDO:0009294, OMIM 232700.

Submission:

Neuberg Centre For Genomic Medicine, NCGM
Classification: Uncertain significance for Glycogen storage disease, type VI. Last evaluated: 2023-03-01. Review status: criteria provided, single submitter. Criteria: ACMG Guidelines, 2015. Collection method: clinical testing. Allele origin: germline. Inheritance: Autosomal recessive inheritance. Affected: yes.
Comment: The splice region c.2178-8_2178-7insT variant in the PYGL gene has not been reported previously as a pathogenic variant nor as a benign variant, to our knowledge. This variant is novel (not in any individuals) in gnomAD Exomes and 1000 Genomes. Loss of function variants have been previously reported to be disease causing (Eghbali et al., 2021). For these reasons, this variant has been classified as Uncertain Significance.